The following is an entry in ClinVar:

NM_000094.4(COL7A1):c.6501+6T>C

Gene: COL7A1 (collagen type VII alpha 1 chain; minus strand). Cytogenetic location: 3p21.31.
Variant type: single nucleotide variant.
Coding change: c.6501+6T>C on transcript NM_000094.4 (MANE Select); 6 bases into the intron after coding-DNA position 6501, T replaced by C.
Molecular consequence: intron variant.
Genome position (GRCh38, 1-based): chr3:48,574,256, A>G on the plus strand (T>C on the coding strand, the complement: COL7A1 is on the minus strand). VCF-style: chr3-48574256-A-G. GRCh37 (hg19) VCF-style: chr3-48611689-A-G.
Identifiers: ClinVar variation 4777289 (VCV004777289.1).

ClinVar aggregate classification (germline): Uncertain significance (1 of 4 stars; one submission).

Submission:

Labcorp Genetics (formerly Invitae), Labcorp
Classification: Uncertain significance. Last evaluated: 2025-10-04. Review status: criteria provided, single submitter. Criteria: Invitae Variant Classification Sherloc (09022015). Collection method: clinical testing. Allele origin: germline.
Comment: This sequence change falls in intron 79 of the COL7A1 gene. It does not directly change the encoded amino acid sequence of the COL7A1 protein. It affects a nucleotide within the consensus splice site. This variant is not present in population databases (gnomAD no frequency). This variant has not been reported in the literature in individuals affected with COL7A1-related conditions. Variants that disrupt the consensus splice site are a relatively common cause of aberrant splicing (PMID: 17576681, 9536098). Algorithms developed to predict the effect of sequence changes on RNA splicing suggest that this variant may disrupt the consensus splice site. In summary, the available evidence is currently insufficient to determine the role of this variant in disease. Therefore, it has been classified as a Variant of Uncertain Significance.

Literature cited by the submitters: PubMed 17576681; PubMed 9536098.